The following is an entry in ClinVar:

NM_001002010.5(NT5C3A):c.988A>G (p.Ile330Val)

Gene: NT5C3A (5'-nucleotidase, cytosolic IIIA; minus strand). Cytogenetic location: 7p14.3.
Variant type: single nucleotide variant.
Coding change: c.988A>G on transcript NM_001002010.5 (MANE Select); coding-DNA position 988, A replaced by G.
Protein change: p.Ile330Val; replaces isoleucine 330 with valine.
Molecular consequence: missense variant.
Genome position (GRCh38, 1-based): chr7:33,014,738, T>C on the plus strand (A>G on the coding strand, the complement: NT5C3A is on the minus strand). VCF-style: chr7-33014738-T-C. GRCh37 (hg19) VCF-style: chr7-33054350-T-C.
Other names: p.Ile335Val; c.886A>G, p.Ile296Val (NM_001002009.3, NM_016489.14); c.850A>G, p.Ile284Val (NM_001166118.3, NM_001356996.3, NM_001374336.1 and 1 more transcripts); c.889A>G, p.Ile297Val (NM_001374335.1); c.787A>G, p.Ile263Val (NM_001374338.1, NM_001374339.1); short protein forms I263V, I284V, I296V, I297V, I330V.
Identifiers: ClinVar variation 2682969 (VCV002682969.1), dbSNP rs2534660463, ClinGen allele CA367189834.

ClinVar aggregate classification (germline): Uncertain significance (1 of 4 stars; one submission).

Submission:

Mayo Clinic Laboratories, Mayo Clinic
Classification: Uncertain significance. Last evaluated: 2022-07-21. Review status: criteria provided, single submitter. Criteria: ACMG Guidelines, 2015. Collection method: clinical testing. Allele origin: germline. Observed: 1 variant allele.
Comment: PM2